The following is an entry in ClinVar:

NM_024642.5(GALNT12):c.1036-20C>T

Gene: GALNT12 (polypeptide N-acetylgalactosaminyltransferase 12; plus strand). Cytogenetic location: 9q22.33.
Variant type: single nucleotide variant.
Coding change: c.1036-20C>T on transcript NM_024642.5 (MANE Select); 20 bases into the intron before coding-DNA position 1036, C replaced by T.
Molecular consequence: intron variant.
Genome position (GRCh38, 1-based): chr9:98,836,952, C>T. VCF-style: chr9-98836952-C-T. GRCh37 (hg19) VCF-style: chr9-101599234-C-T.
Identifiers: ClinVar variation 4876120 (VCV004876120.1).

ClinVar aggregate classification (germline): Likely benign (1 of 4 stars; one submission).

Conditions:
Colorectal cancer, susceptibility to, 1. Also called: COLORECTAL ADENOMA AND CANCER, SUSCEPTIBILITY TO; COLORECTAL CANCER, SUSCEPTIBILITY TO, ON CHROMOSOME 9. Identifiers: MedGen C1837315, MONDO:0012132, OMIM 608812.

gnomAD v4.1: 5 of 1,613,920 alleles (0.00031%); highest among the groups gnomAD compares: Non-Finnish European, 0.00042%; no homozygotes.

Submission:

Myriad Genetics, Inc.
Classification: Likely benign for Colorectal cancer, susceptibility to, 1. Last evaluated: 2026-04-21. Review status: criteria provided, single submitter. Criteria: Myriad Autosomal Dominant, Autosomal Recessive and X-Linked Classification Criteria (2023). Collection method: clinical testing. Allele origin: unknown.
Comment: This variant is considered likely benign. This variant is intronic and is not expected to impact mRNA splicing.